The following is an entry in ClinVar:

NM_016247.4(IMPG2):c.29T>C (p.Ile10Thr)

Gene: IMPG2 (interphotoreceptor matrix proteoglycan 2; minus strand). Cytogenetic location: 3q12.3.
Variant type: single nucleotide variant.
Coding change: c.29T>C on transcript NM_016247.4 (MANE Select); coding-DNA position 29, T replaced by C.
Protein change: p.Ile10Thr; replaces isoleucine 10 with threonine.
Molecular consequence: missense variant.
Genome position (GRCh38, 1-based): chr3:101,320,344, A>G on the plus strand (T>C on the coding strand, the complement: IMPG2 is on the minus strand). VCF-style: chr3-101320344-A-G. GRCh37 (hg19) VCF-style: chr3-101039188-A-G.
Other names: short protein forms I10T.
Identifiers: ClinVar variation 1486795 (VCV001486795.4), dbSNP rs758777225, ClinGen allele CA2519580.

ClinVar aggregate classification (germline): Uncertain significance (1 of 4 stars; one submission).

Allele frequency attached by ClinVar (database versions not stated): gnomAD 0.00001; gnomAD exomes 0.00002 and 0.00004; ExAC 0.00005.
gnomAD v4.1: 34 of 1,607,924 alleles (0.0021%); highest among the groups gnomAD compares: South Asian, 0.034%; no homozygotes.

Submission:

Labcorp Genetics (formerly Invitae), Labcorp
Classification: Uncertain significance. Last evaluated: 2025-09-08. Review status: criteria provided, single submitter. Criteria: Invitae Variant Classification Sherloc (09022015). Collection method: clinical testing. Allele origin: germline.
Comment: This sequence change replaces isoleucine, which is neutral and non-polar, with threonine, which is neutral and polar, at codon 10 of the IMPG2 protein (p.Ile10Thr). This variant is present in population databases (rs758777225, gnomAD 0.04%). This variant has not been reported in the literature in individuals affected with IMPG2-related conditions. ClinVar contains an entry for this variant (Variation ID: 1486795). An algorithm developed to predict the effect of missense changes on protein structure and function outputs the following: PolyPhen-2: "Benign". The threonine amino acid residue is found in multiple mammalian species, which suggests that this missense change does not adversely affect protein function. In summary, the available evidence is currently insufficient to determine the role of this variant in disease. Therefore, it has been classified as a Variant of Uncertain Significance.